The following is an entry in ClinVar:

ClinVar aggregate classification (germline): Uncertain significance (1 of 4 stars; one submission).

Conditions:
EGFR-related lung cancer (EGFR). Identifiers: MedGen CN130014.

Allele frequency attached by ClinVar (database versions not stated): gnomAD exomes below 0.00001.
gnomAD v4.1: 1 of 1,614,164 alleles (0.000062%); highest among the groups gnomAD compares: South Asian, 0.0011%; no homozygotes.

Submission:

Labcorp Genetics (formerly Invitae), Labcorp
Classification: Uncertain significance for EGFR-related lung cancer. Last evaluated: 2023-09-05. Review status: criteria provided, single submitter. Criteria: Invitae Variant Classification Sherloc (09022015). Collection method: clinical testing. Allele origin: germline.
Comment: This variant is not present in population databases (gnomAD no frequency). This sequence change replaces serine, which is neutral and polar, with glycine, which is neutral and non-polar, at codon 957 of the EGFR protein (p.Ser957Gly). This variant has not been reported in the literature in individuals affected with EGFR-related conditions. Advanced modeling of protein sequence and biophysical properties (such as structural, functional, and spatial information, amino acid conservation, physicochemical variation, residue mobility, and thermodynamic stability) performed at Invitae indicates that this missense variant is not expected to disrupt EGFR protein function. In summary, the available evidence is currently insufficient to determine the role of this variant in disease. Therefore, it has been classified as a Variant of Uncertain Significance.

NM_005228.5(EGFR):c.2869A>G (p.Ser957Gly)

Gene: EGFR (epidermal growth factor receptor; plus strand). Cytogenetic location: 7p11.2.
Variant type: single nucleotide variant.
Coding change: c.2869A>G on transcript NM_005228.5 (MANE Select); coding-DNA position 2869, A replaced by G.
Protein change: p.Ser957Gly; replaces serine 957 with glycine.
Molecular consequence: missense variant.
Genome position (GRCh38, 1-based): chr7:55,200,336, A>G. VCF-style: chr7-55200336-A-G. GRCh37 (hg19) VCF-style: chr7-55268029-A-G.
Other names: c.2734A>G, p.Ser912Gly (NM_001346897.2, NM_001346899.2); c.2869A>G, p.Ser957Gly (NM_001346898.2); c.2710A>G, p.Ser904Gly (NM_001346900.2); c.2068A>G, p.Ser690Gly (NM_001346941.2); short protein forms S904G, S912G, S690G, S957G.
Identifiers: ClinVar variation 2780200 (VCV002780200.3), dbSNP rs2128969819, ClinGen allele CA367581754.
Genomic context (GRCh38, chr7:55,200,336, plus strand): 5'-AGTGTTCTAATTGCACTGTTTTTTCTCATTCCTTCCCCAGGCTGGATGATAGACGCAGAT[A>G]GTCGCCCAAAGTTCCGTGAGTTGATCATCGAATTCTCCAAAATGGCCCGAGACCCCCAGC-3'
Protein context (NP_005219.2, residues 947-967): MVKCWMIDAD[Ser957Gly]RPKFRELIIE